The following is an entry in ClinVar:

ClinVar aggregate classification (germline): Conflicting classifications of pathogenicity. Review status: criteria provided, conflicting classifications (1 of 4 stars). 6 submissions from 6 submitters: Uncertain significance (1); Benign (1); Likely benign (2). 2 of the submissions do not count toward it. Last evaluated 2026-01-25.

Conditions:
Retinitis pigmentosa (RP). Identifiers: Orphanet 791, MedGen C0035334, MeSH D012174, MONDO:0019200, OMIM 268000. Inheritance: Autosomal dominant, autosomal recessive and X linked inheritance.

Allele frequency attached by ClinVar (database versions not stated): gnomAD 0.00165 and 0.00180; ESP Exome Variant Server 0.00172; TOPMed 0.00173; gnomAD exomes 0.00017 and 0.00045; ExAC 0.00049; 1000 Genomes Project 0.00140; 1000 Genomes Project 30x 0.00141.
gnomAD v4.1: 518 of 1,613,970 alleles (0.032%); highest among the groups gnomAD compares: African/African-American, 0.51%; 1 homozygote.

Submissions (6):

Labcorp Genetics (formerly Invitae), Labcorp
Classification: Benign. Last evaluated: 2026-01-25. Review status: criteria provided, single submitter. Criteria: Invitae Variant Classification Sherloc (09022015). Collection method: clinical testing. Allele origin: germline.

Blueprint Genetics
Classification: Likely benign. Last evaluated: 2024-11-05. Review status: criteria provided, single submitter. Criteria: ACMG Guidelines, 2015. Collection method: clinical testing. Allele origin: germline.

CeGaT Center for Human Genetics Tuebingen
Classification: Likely benign. Last evaluated: 2023-01-01. Review status: criteria provided, single submitter. Criteria: CeGaT Center For Human Genetics Tuebingen Variant Classification Criteria Version 2. Collection method: clinical testing. Allele origin: germline. Affected: yes. Observed: 1 variant allele.
Comment: CNGB1: BP4, BP7

Illumina Laboratory Services, Illumina
Classification: Uncertain significance for Retinitis pigmentosa. Last evaluated: 2018-01-13. Review status: criteria provided, single submitter. Criteria: ICSL Variant Classification Criteria 13 December 2019. Collection method: clinical testing. Allele origin: germline.

Clinical Genetics DNA and cytogenetics Diagnostics Lab, Erasmus MC, Erasmus Medical Center
Classification: Likely benign. Review status: no assertion criteria provided. Collection method: clinical testing. Allele origin: germline. Affected: yes. Study: VKGL Data-share Consensus. Not counted in ClinVar's aggregate classification.

Clinical Genetics, Academic Medical Center
Classification: Benign. Review status: no assertion criteria provided. Collection method: clinical testing. Allele origin: germline. Affected: yes. Study: VKGL Data-share Consensus. Not counted in ClinVar's aggregate classification.

NM_001297.5(CNGB1):c.2475C>T (p.Tyr825=)

Gene: CNGB1 (cyclic nucleotide gated channel subunit beta 1; minus strand). Cytogenetic location: 16q21.
Variant type: single nucleotide variant.
Coding change: c.2475C>T on transcript NM_001297.5 (MANE Select); coding-DNA position 2475, C replaced by T.
Protein change: p.Tyr825=; no amino-acid change (tyrosine 825 retained).
Molecular consequence: synonymous variant.
Genome position (GRCh38, 1-based): chr16:57,911,770, G>A on the plus strand (C>T on the coding strand, the complement: CNGB1 is on the minus strand). VCF-style: chr16-57911770-G-A. GRCh37 (hg19) VCF-style: chr16-57945674-G-A.
Other names: c.2457C>T, p.Tyr819= (NM_001286130.2).
Identifiers: ClinVar variation 887181 (VCV000887181.40), dbSNP rs200934249, ClinGen allele CA8082999.
Genomic context (GRCh38, chr16:57,911,770, plus strand): 5'-AAGGTCACCCAGGCATGGCCCCAGGGGGAGGACTGTGGCTCACCTGTTTCCCACGCCATC[G>A]TAAACCCAGTGAGTGGAGCCGAGGCCCTGATAGGCCGATGCCCAGTAATAAAGACAGGAA-3'
Protein context (NP_001288.3, residues 815-835): YQGLGSTHWV[Tyr825=]DGVGNSYIRC